The following is an entry in ClinVar:

NM_001330078.2(NRXN1):c.2888del (p.His963fs)

Gene: NRXN1 (neurexin 1; minus strand). Cytogenetic location: 2p16.3.
Variant type: Deletion.
Coding change: c.2888del on transcript NM_001330078.2 (MANE Select); coding-DNA position 2888, one base deleted (A; older notation c.2888delA).
Protein change: p.His963fs; shifts the reading frame from histidine 963.
Molecular consequence: frameshift variant.
Genome position (GRCh38, 1-based): chr2:50,496,087, T deleted on the plus strand (A on the coding strand, the reverse complement: NRXN1 is on the minus strand). VCF-style (leftmost placement, unchanged base first): chr2-50496086-AT-A. GRCh37 (hg19) VCF-style: chr2-50723224-AT-A.
Other names: c.3008del, p.His1003fs (NM_001135659.3); c.2864del, p.His955fs (NM_001330077.2, NM_001330082.2); c.2822del, p.His941fs (NM_001330083.2, NM_001330084.2); c.2861del, p.His954fs (NM_001330085.2); c.2888del, p.His963fs (NM_001330086.2, NM_004801.6); c.2777del, p.His926fs (NM_001330087.2, NM_001330096.2); c.2807del, p.His936fs (NM_001330088.2); c.2885del, p.His962fs (NM_001330093.2); and 2 more; short protein forms H926fs, H963fs, H941fs, H946fs, H954fs, H936fs, H962fs, H1003fs.
Identifiers: ClinVar variation 206272 (VCV000206272.1), dbSNP rs796052787, ClinGen allele CA316191.
Genomic context (GRCh38, chr2:50,496,086, plus strand): 5'-GAGAGGTTTATTTGAGCTTCCTTTGATGAGGTTAGCACCATTTCCCAAATCAAACACGTA[AT>A]GTAAGTACCTGGGAAAAAAATGAAAGAGGGGAAAGTGCCATCACTTTTTAAATTTTGATG-3'

ClinVar aggregate classification (germline): Pathogenic (1 of 4 stars; one submission).

Submission:

GeneDx
Classification: Pathogenic. Last evaluated: 2013-05-26. Review status: criteria provided, single submitter. Criteria: GeneDx Variant Classification (06012015). Collection method: clinical testing. Allele origin: germline. Affected: yes.
Comment: The c.3008delA mutation in the NRXN1 gene causes a frameshift starting with Histidine 1003, changes this amino acid to a Leucine residue and creates a premature Stop codon at position 29 of the new reading frame, denoted p.His1003LeufsX29. This mutation is predicted to cause loss of normal protein function either through protein truncation or nonsense-mediated mRNA decay. Although this mutation has not been reported previously to our knowledge, it is considered a disease-causing mutation. The variant is found in INFANT-EPI panel(s).